The following is an entry in ClinVar:

ClinVar aggregate classification (germline): Uncertain significance (1 of 4 stars; one submission).

gnomAD v4.1: 14 of 780,552 alleles (0.0018%); highest among the groups gnomAD compares: East Asian, 0.012%; no homozygotes.

Submission:

CeGaT Center for Human Genetics Tuebingen
Classification: Uncertain significance. Last evaluated: 2025-10-01. Review status: criteria provided, single submitter. Criteria: CeGaT Center For Human Genetics Tuebingen Variant Classification Criteria Version 2. Collection method: clinical testing. Allele origin: germline. Affected: yes. Observed: 1 variant allele.
Comment: TPM3: PM2:Supporting, PP3

NM_001043353.2(TPM3):c.667C>T (p.Arg223Cys)

Gene: TPM3 (tropomyosin 3; minus strand). Cytogenetic location: 1q21.3.
Variant type: single nucleotide variant.
Coding change: c.667C>T on transcript NM_001043353.2; coding-DNA position 667, C replaced by T.
Protein change: p.Arg223Cys; replaces arginine 223 with cysteine.
Molecular consequence: missense variant. On other transcripts: intron variant (9).
Genome position (GRCh38, 1-based): chr1:154,159,046, G>A on the plus strand (C>T on the coding strand, the complement: TPM3 is on the minus strand). VCF-style: chr1-154159046-G-A. GRCh37 (hg19) VCF-style: chr1-154131522-G-A.
Other names: c.667C>T, p.Arg223Cys (NM_001043352.2); c.778C>T, p.Arg260Cys (NM_001364681.2); c.776-1325C>T (NM_001364679.2, NM_001364680.2); c.467-1325C>T (NM_001278188.2); c.665-1325C>T (NM_001043351.2, NM_153649.4); c.744-1325C>T (NM_001349679.2, NM_001278189.2); c.602-1325C>T (NM_001278190.2); c.395-1325C>T (NM_001278191.2); short protein forms R223C, R260C.
Identifiers: ClinVar variation 4535043 (VCV004535043.6).